The following is an entry in ClinVar:

ClinVar aggregate classification (germline): Likely benign (1 of 4 stars; one submission).

Allele frequency attached by ClinVar (database versions not stated): gnomAD exomes 0.00001.
gnomAD v4.1: 8 of 1,613,064 alleles (0.0005%); highest among the groups gnomAD compares: Non-Finnish European, 0.00068%; no homozygotes.

Submission:

CeGaT Center for Human Genetics Tuebingen
Classification: Likely benign. Last evaluated: 2023-06-01. Review status: criteria provided, single submitter. Criteria: CeGaT Center For Human Genetics Tuebingen Variant Classification Criteria Version 2. Collection method: clinical testing. Allele origin: germline. Affected: yes. Observed: 1 variant allele.
Comment: CACNA1B: PM2:Supporting, BP4, BP7

NM_000718.4(CACNA1B):c.3852C>T (p.Asn1284=)

Gene: CACNA1B (calcium voltage-gated channel subunit alpha1 B; plus strand). Cytogenetic location: 9q34.3.
Variant type: single nucleotide variant.
Coding change: c.3852C>T on transcript NM_000718.4 (MANE Select); coding-DNA position 3852, C replaced by T.
Protein change: p.Asn1284=; no amino-acid change (asparagine 1284 retained).
Molecular consequence: synonymous variant.
Genome position (GRCh38, 1-based): chr9:138,053,890, C>T. VCF-style: chr9-138053890-C-T. GRCh37 (hg19) VCF-style: chr9-140948342-C-T.
Other names: c.3852C>T, p.Asn1284= (NM_001243812.2).
Identifiers: ClinVar variation 2571352 (VCV002571352.27), dbSNP rs2539447694, ClinGen allele CA467889229.